The following is an entry in ClinVar:

NM_000257.4(MYH7):c.1891A>G (p.Ile631Val)

Gene: MYH7 (myosin heavy chain 7; minus strand). Cytogenetic location: 14q11.2.
Variant type: single nucleotide variant.
Coding change: c.1891A>G on transcript NM_000257.4 (MANE Select); coding-DNA position 1891, A replaced by G.
Protein change: p.Ile631Val; replaces isoleucine 631 with valine.
Molecular consequence: missense variant.
Genome position (GRCh38, 1-based): chr14:23,427,305, T>C on the plus strand (A>G on the coding strand, the complement: MYH7 is on the minus strand). VCF-style: chr14-23427305-T-C. GRCh37 (hg19) VCF-style: chr14-23896514-T-C.
Other names: c.1891A>G, p.Ile631Val (NM_001407004.1); short protein forms I631V.
Identifiers: ClinVar variation 2574006 (VCV002574006.3), dbSNP rs907483085, ClinGen allele CA389049597.

ClinVar aggregate classification (germline): Uncertain significance (1 of 4 stars; one submission).

Conditions:
Long QT syndrome (LQTS). Identifiers: MedGen C0023976, MeSH D008133, MONDO:0002442. Disease mechanism: loss of function. Inheritance: Various modes of inheritance.

Submission:

Dept of Medical Biology, Uskudar University
Classification: Uncertain significance for Long QT syndrome. Last evaluated: 2024-01-08. Review status: criteria provided, single submitter. Criteria: Dept of Medical Biology Variant Classification. Collection method: research. Allele origin: maternal. Affected: yes. Observed: 1 variant allele.
Comment: Criteria: PM1, PM2, BP4